The following is an entry in ClinVar:

NM_000481.4(AMT):c.555C>T (p.Pro185=)

Gene: AMT (aminomethyltransferase; minus strand). Cytogenetic location: 3p21.31.
Variant type: single nucleotide variant.
Coding change: c.555C>T on transcript NM_000481.4 (MANE Select); coding-DNA position 555, C replaced by T.
Protein change: p.Pro185=; no amino-acid change (proline 185 retained).
Molecular consequence: synonymous variant. On other transcripts: non-coding transcript variant (1).
Genome position (GRCh38, 1-based): chr3:49,419,401, G>A on the plus strand (C>T on the coding strand, the complement: AMT is on the minus strand). VCF-style: chr3-49419401-G-A. GRCh37 (hg19) VCF-style: chr3-49456834-G-A.
Other names: c.423C>T, p.Pro141= (NM_001164710.2); c.387C>T, p.Pro129= (NM_001164711.2); c.555C>T, p.Pro185= (NM_001164712.2).
Identifiers: ClinVar variation 553783 (VCV000553783.17), dbSNP rs144790394, ClinGen allele CA2398310.

ClinVar aggregate classification (germline): Likely benign. Review status: criteria provided, multiple submitters, no conflicts (2 of 4 stars). 5 submissions from 5 submitters: Likely benign (2). 3 of the submissions do not count toward it. Last evaluated 2026-01-26.

Conditions:
Glycine encephalopathy 1 (GCE1). Identifiers: MedGen CN376801, MONDO:0958179, OMIM 605899.
Inborn genetic diseases. Identifiers: MedGen C0950123, MeSH D030342.
AMT-related disorder. Also called: AMT-related condition.
Glycine encephalopathy. Also called: Non-ketotic hyperglycinemia; Nonketotic hyperglycinemia. Identifiers: Orphanet 407, MedGen C0751748, MONDO:0011612, HP:0008288.

Allele frequency attached by ClinVar (database versions not stated): ExAC 0.00004; gnomAD 0.00006 and 0.00007; TOPMed 0.00006; gnomAD exomes 0.00007; ESP Exome Variant Server 0.00023.
gnomAD v4.1: 373 of 1,613,740 alleles (0.023%); highest among the groups gnomAD compares: Non-Finnish European, 0.031%; no homozygotes.

Submissions (5):

Labcorp Genetics (formerly Invitae), Labcorp
Classification: Likely benign for Glycine encephalopathy. Last evaluated: 2026-01-26. Review status: criteria provided, single submitter. Criteria: Invitae Variant Classification Sherloc (09022015). Collection method: clinical testing. Allele origin: germline.

Ambry Genetics
Classification: Likely benign for Inborn genetic diseases. Last evaluated: 2022-06-15. Review status: criteria provided, single submitter. Criteria: Ambry Variant Classification Scheme 2023. Collection method: clinical testing. Allele origin: germline.

Natera, Inc.
Classification: Likely benign for Non-ketotic hyperglycinemia. Last evaluated: 2020-09-16. Review status: no assertion criteria provided. Collection method: clinical testing. Allele origin: germline. Not counted in ClinVar's aggregate classification.

PreventionGenetics, part of Exact Sciences
Classification: Likely benign for AMT-related condition. Last evaluated: 2019-06-18. Review status: no assertion criteria provided. Collection method: clinical testing. Allele origin: germline. Not counted in ClinVar's aggregate classification.
Comment: This variant is classified as likely benign based on ACMG/AMP sequence variant interpretation guidelines (Richards et al. 2015 PMID: 25741868, with internal and published modifications).

Counsyl
Classification: Uncertain significance for Glycine encephalopathy 1. Last evaluated: 2017-11-15. Review status: no assertion criteria provided. Collection method: clinical testing. Allele origin: unknown. Not counted in ClinVar's aggregate classification.

Literature cited by the submitters: PubMed 27620832 (cited by Counsyl).